The following is an entry in ClinVar:

ClinVar aggregate classification (germline): Uncertain significance (1 of 4 stars; one submission).

Conditions:
Wilms tumor 1 (WT1). Also called: Wilms tumor, somatic. Identifiers: Orphanet 654, MedGen CN033288, MONDO:0008679, OMIM 194070.

Allele frequency attached by ClinVar (database versions not stated): gnomAD exomes below 0.00001.
gnomAD v4.1: 2 of 1,204,686 alleles (0.00017%); highest among the groups gnomAD compares: Non-Finnish European, 0.00022%; no homozygotes.

Submission:

Labcorp Genetics (formerly Invitae), Labcorp
Classification: Uncertain significance for Wilms tumor 1. Last evaluated: 2023-08-27. Review status: criteria provided, single submitter. Criteria: Invitae Variant Classification Sherloc (09022015). Collection method: clinical testing. Allele origin: germline.
Comment: This sequence change replaces glycine, which is neutral and non-polar, with alanine, which is neutral and non-polar, at codon 537 of the GPC3 protein (p.Gly537Ala). This variant is not present in population databases (gnomAD no frequency). This variant has not been reported in the literature in individuals affected with GPC3-related conditions. ClinVar contains an entry for this variant (Variation ID: 1019990). An algorithm developed to predict the effect of missense changes on protein structure and function (PolyPhen-2) suggests that this variant is likely to be tolerated. In summary, the available evidence is currently insufficient to determine the role of this variant in disease. Therefore, it has been classified as a Variant of Uncertain Significance.

NM_004484.4(GPC3):c.1610G>C (p.Gly537Ala)

Gene: GPC3 (glypican 3; minus strand). Cytogenetic location: Xq26.2.
Variant type: single nucleotide variant.
Coding change: c.1610G>C on transcript NM_004484.4 (MANE Select); coding-DNA position 1610, G replaced by C.
Protein change: p.Gly537Ala; replaces glycine 537 with alanine.
Molecular consequence: missense variant.
Genome position (GRCh38, 1-based): chrX:133,536,257, C>G on the plus strand (G>C on the coding strand, the complement: GPC3 is on the minus strand). VCF-style: chrX-133536257-C-G. GRCh37 (hg19) VCF-style: chrX-132670285-C-G.
Other names: c.1679G>C, p.Gly560Ala (NM_001164617.2); c.1562G>C, p.Gly521Ala (NM_001164618.2); c.1448G>C, p.Gly483Ala (NM_001164619.2); short protein forms G483A, G521A, G537A, G560A.
Identifiers: ClinVar variation 1019990 (VCV001019990.9), dbSNP rs2069290389, ClinGen allele CA414703139.